The following is an entry in ClinVar:

NM_006231.4(POLE):c.2927G>C (p.Arg976Pro)

Gene: POLE (DNA polymerase epsilon, catalytic subunit; minus strand). Cytogenetic location: 12q24.33.
Variant type: single nucleotide variant.
Coding change: c.2927G>C on transcript NM_006231.4 (MANE Select); coding-DNA position 2927, G replaced by C.
Protein change: p.Arg976Pro; replaces arginine 976 with proline.
Molecular consequence: missense variant.
Genome position (GRCh38, 1-based): chr12:132,661,102, C>G on the plus strand (G>C on the coding strand, the complement: POLE is on the minus strand). VCF-style: chr12-132661102-C-G. GRCh37 (hg19) VCF-style: chr12-133237688-C-G.
Other names: short protein forms R976P.
Identifiers: ClinVar variation 2693977 (VCV002693977.3), dbSNP rs878854857, ClinGen allele CA387392664.

ClinVar aggregate classification (germline): Uncertain significance (1 of 4 stars; one submission).

Submission:

Labcorp Genetics (formerly Invitae), Labcorp
Classification: Uncertain significance. Last evaluated: 2023-11-07. Review status: criteria provided, single submitter. Criteria: Invitae Variant Classification Sherloc (09022015). Collection method: clinical testing. Allele origin: germline.
Comment: This sequence change replaces arginine, which is basic and polar, with proline, which is neutral and non-polar, at codon 976 of the POLE protein (p.Arg976Pro). This variant is not present in population databases (gnomAD no frequency). This variant has not been reported in the literature in individuals affected with POLE-related conditions. Advanced modeling of protein sequence and biophysical properties (such as structural, functional, and spatial information, amino acid conservation, physicochemical variation, residue mobility, and thermodynamic stability) performed at Invitae indicates that this missense variant is expected to disrupt POLE protein function with a positive predictive value of 80%. In summary, the available evidence is currently insufficient to determine the role of this variant in disease. Therefore, it has been classified as a Variant of Uncertain Significance.